The following is an entry in ClinVar:

NM_004656.4(BAP1):c.1318C>G (p.Leu440Val)

Gene: BAP1 (BRCA1 associated deubiquitinase 1; minus strand). Cytogenetic location: 3p21.1.
Variant type: single nucleotide variant.
Coding change: c.1318C>G on transcript NM_004656.4 (MANE Select); coding-DNA position 1318, C replaced by G.
Protein change: p.Leu440Val; replaces leucine 440 with valine.
Molecular consequence: missense variant.
Genome position (GRCh38, 1-based): chr3:52,403,827, G>C on the plus strand (C>G on the coding strand, the complement: BAP1 is on the minus strand). VCF-style: chr3-52403827-G-C. GRCh37 (hg19) VCF-style: chr3-52437843-G-C.
Other names: c.1264C>G, p.Leu422Val (NM_001410772.1); short protein forms L422V, L440V.
Identifiers: ClinVar variation 2984557 (VCV002984557.3), dbSNP rs2153226751, ClinGen allele CA353102163.

ClinVar aggregate classification (germline): Uncertain significance (1 of 4 stars; one submission).

Conditions:
BAP1-related tumor predisposition syndrome (TPDS1). Also called: COMMON Syndrome; TUMOR PREDISPOSITION SYNDROME 1; Tumor susceptibility linked to germline BAP1 mutations; BAP1 tumor predisposition syndrome. Identifiers: Orphanet 289539, MedGen C3280492, MONDO:0013692, OMIM 614327.

Submission:

Labcorp Genetics (formerly Invitae), Labcorp
Classification: Uncertain significance for BAP1-related tumor predisposition syndrome. Last evaluated: 2023-10-13. Review status: criteria provided, single submitter. Criteria: Invitae Variant Classification Sherloc (09022015). Collection method: clinical testing. Allele origin: germline.
Comment: This sequence change replaces leucine, which is neutral and non-polar, with valine, which is neutral and non-polar, at codon 440 of the BAP1 protein (p.Leu440Val). This variant is not present in population databases (gnomAD no frequency). This variant has not been reported in the literature in individuals affected with BAP1-related conditions. Advanced modeling of protein sequence and biophysical properties (such as structural, functional, and spatial information, amino acid conservation, physicochemical variation, residue mobility, and thermodynamic stability) performed at Invitae indicates that this missense variant is not expected to disrupt BAP1 protein function. In summary, the available evidence is currently insufficient to determine the role of this variant in disease. Therefore, it has been classified as a Variant of Uncertain Significance.